The following is an entry in ClinVar:

ClinVar aggregate classification (germline): Conflicting classifications of pathogenicity. Review status: criteria provided, conflicting classifications (1 of 4 stars). 7 submissions from 7 submitters: Uncertain significance (1); Benign (1); Likely benign (2). 3 of the submissions do not count toward it. Last evaluated 2026-05-01.

Conditions:
Gastrointestinal defects and immunodeficiency syndrome 1 (GIDID1). Also called: Combined immunodeficiency-enteropathy spectrum. Identifiers: Orphanet 436252, MedGen C5968858, MONDO:0800030, OMIM 243150.
TTC7A-related disorder. Also called: TTC7A-related condition.
Multiple gastrointestinal atresias. Also called: Multiple intestinal atresia; FAMILIAL INTESTINAL POLYATRESIA SYNDROME. Identifiers: Orphanet 2300, MedGen C0220744, MONDO:0009465.

Allele frequency attached by ClinVar (database versions not stated): gnomAD exomes 0.00352; ExAC 0.00453; 1000 Genomes Project 0.00100; gnomAD 0.00313 and 0.00322; 1000 Genomes Project 30x 0.00078; TOPMed 0.00364.
gnomAD v4.1: 8,299 of 1,550,222 alleles (0.54%); highest among the groups gnomAD compares: Non-Finnish European, 0.64%; 25 homozygotes.

Submissions (7):

CeGaT Center for Human Genetics Tuebingen
Classification: Likely benign. Last evaluated: 2026-05-01. Review status: criteria provided, single submitter. Criteria: CeGaT Center For Human Genetics Tuebingen Variant Classification Criteria Version 2. Collection method: clinical testing. Allele origin: germline. Affected: yes. Observed: 9 variant alleles.
Comment: MCFD2: BS2; TTC7A: BP4, BS2

Labcorp Genetics (formerly Invitae), Labcorp
Classification: Benign for Multiple gastrointestinal atresias. Last evaluated: 2026-02-01. Review status: criteria provided, single submitter. Criteria: Invitae Variant Classification Sherloc (09022015). Collection method: clinical testing. Allele origin: germline.

Blueprint Genetics
Classification: Likely benign. Last evaluated: 2024-11-25. Review status: criteria provided, single submitter. Criteria: ACMG Guidelines, 2015. Collection method: clinical testing. Allele origin: germline.

Center for Genomics, Ann and Robert H. Lurie Children's Hospital of Chicago
Classification: Uncertain significance for Gastrointestinal defects and immunodeficiency syndrome 1. Last evaluated: 2021-04-15. Review status: criteria provided, single submitter. Criteria: ACMG Guidelines, 2015. Collection method: clinical testing. Allele origin: germline.
Comment: TTC7A NM_020458.3 exon 1 p.Pro59Arg (c.176C>G):This variant has not been reported in the literature but is present in 0.5% (364/68044) of European alleles in the Genome Aggregation Database. This variant is present in ClinVar (Variation ID:528474). This variant amino acid Arginine (Arg) is present in 5 species (flying fox, megabat, aardvark, chicken, medaka) and is not well conserved among evolutionarily distant species; this suggests that this variant may not impact the protein. Additional computational prediction tools do not suggest an impact. In summary, data on this variant is insufficient for disease classification. Therefore, the clinical significance of this variant is uncertain.

PreventionGenetics, part of Exact Sciences
Classification: Likely benign for TTC7A-related condition. Last evaluated: 2020-02-18. Review status: no assertion criteria provided. Collection method: clinical testing. Allele origin: germline. Not counted in ClinVar's aggregate classification.
Comment: This variant is classified as likely benign based on ACMG/AMP sequence variant interpretation guidelines (Richards et al. 2015 PMID: 25741868, with internal and published modifications).

Clinical Genetics DNA and cytogenetics Diagnostics Lab, Erasmus MC, Erasmus Medical Center
Classification: Likely benign. Review status: no assertion criteria provided. Collection method: clinical testing. Allele origin: germline. Affected: yes. Study: VKGL Data-share Consensus. Not counted in ClinVar's aggregate classification.

Laboratory of Diagnostic Genome Analysis, Leiden University Medical Center (LUMC)
Classification: Likely benign. Review status: no assertion criteria provided. Collection method: clinical testing. Allele origin: germline. Affected: yes. Study: VKGL Data-share Consensus. Not counted in ClinVar's aggregate classification.

NM_020458.4(TTC7A):c.176C>G (p.Pro59Arg)

Genes: MCFD2 (multiple coagulation factor deficiency 2, ER cargo receptor complex subunit; minus strand), TTC7A (tetratricopeptide repeat domain 7A; plus strand). Cytogenetic location: 2p21.
Variant type: single nucleotide variant.
Coding change: c.176C>G on transcript NM_020458.4 (MANE Select); coding-DNA position 176, C replaced by G.
Protein change: p.Pro59Arg; replaces proline 59 with arginine.
Molecular consequence: missense variant. On other transcripts: 5 prime UTR variant (3), intron variant (1).
Genome position (GRCh38, 1-based): chr2:46,941,717, C>G. VCF-style: chr2-46941717-C-G. GRCh37 (hg19) VCF-style: chr2-47168856-C-G.
Other names: c.176C>G, p.Pro59Arg (NM_001288951.2); c.-729C>G (NM_001288955.2); c.-152G>C (NM_001171508.2); c.-54G>C (NM_001171511.3); c.83-8646C>G (NM_001288953.2); short protein forms P59R.
Identifiers: ClinVar variation 528474 (VCV000528474.51), dbSNP rs201805434, ClinGen allele CA1647041.
Genomic context (GRCh38, chr2:46,941,717, plus strand): 5'-TGAGCATGCCCGGCGGCGGAGGTAACAGGCGAGGCAGCCCGAGCGCAGCGTTCACCTTTC[C>G]GGACACCGGTGAGTAAGGGAAGAGGCTGGCTCGCCGGCAGCGAGCGCGCGAAACGCACCG-3'
Protein context (NP_065191.2, residues 49-69): RGSPSAAFTF[Pro59Arg]DTDDFGKLLL